The following is an entry in ClinVar:

ClinVar aggregate classification (germline): Uncertain significance (1 of 4 stars; one submission).

Submission:

Ambry Genetics
Classification: Uncertain significance. Last evaluated: 2026-08-28. Review status: criteria provided, single submitter. Criteria: Ambry Variant Classification Scheme 2023. Collection method: clinical testing. Allele origin: germline.
Comment: The p.G342S variant (also known as c.1024G>A), located in coding exon 8 of the RECQL gene, results from a G to A substitution at nucleotide position 1024. The glycine at codon 342 is replaced by serine, an amino acid with similar properties. This amino acid position is conserved. In addition, this alteration is predicted to be tolerated by in silico analysis. Based on the available evidence, the clinical significance of this variant remains unclear.

NM_002907.4(RECQL):c.1024G>A (p.Gly342Ser)

Gene: RECQL (RecQ like helicase; minus strand). Cytogenetic location: 12p12.1.
Variant type: single nucleotide variant.
Coding change: c.1024G>A on transcript NM_002907.4 (MANE Select); coding-DNA position 1024, G replaced by A.
Protein change: p.Gly342Ser; replaces glycine 342 with serine.
Molecular consequence: missense variant.
Genome position (GRCh38, 1-based): chr12:21,475,750, C>T on the plus strand (G>A on the coding strand, the complement: RECQL is on the minus strand). VCF-style: chr12-21475750-C-T. GRCh37 (hg19) VCF-style: chr12-21628684-C-T.
Other names: c.1024G>A, p.Gly342Ser (NM_032941.3); short protein forms G342S.
Identifiers: ClinVar variation 5028061 (VCV005028061.1).